The following is an entry in ClinVar:

ClinVar aggregate classification (germline): Uncertain significance (1 of 4 stars; one submission).

Conditions:
MACF1-related disorder. Also called: MACF1-related condition.

gnomAD v4.1: 6 of 1,613,940 alleles (0.00037%); highest among the groups gnomAD compares: South Asian, 0.0022%; no homozygotes.

Submission:

PreventionGenetics, part of Exact Sciences
Classification: Uncertain significance for MACF1-related condition. Last evaluated: 2025-10-03. Review status: criteria provided, single submitter. Criteria: ACMG Guidelines, 2015. Collection method: clinical testing. Allele origin: germline.
Comment: The MACF1 c.13781G>A variant is predicted to result in the amino acid substitution p.Arg4594Gln. To our knowledge, this variant has not been reported in the literature. This variant is reported in 0.0029% of alleles in individuals of Latino descent in gnomAD. At this time, the clinical significance of this variant is uncertain due to the absence of conclusive functional and genetic evidence.

NM_001394062.1(MACF1):c.19958G>A (p.Arg6653Gln)

Gene: MACF1 (microtubule actin crosslinking factor 1; plus strand). Cytogenetic location: 1p34.3.
Variant type: single nucleotide variant.
Coding change: c.19958G>A on transcript NM_001394062.1 (MANE Select); coding-DNA position 19958, G replaced by A.
Protein change: p.Arg6653Gln; replaces arginine 6653 with glutamine.
Molecular consequence: missense variant.
Genome position (GRCh38, 1-based): chr1:39,447,888, G>A. VCF-style: chr1-39447888-G-A. GRCh37 (hg19) VCF-style: chr1-39913560-G-A.
Other names: c.8036G>A, p.Arg2679Gln (NM_001397473.1); c.13781G>A, p.Arg4594Gln (NM_012090.5); short protein forms R2679Q, R6653Q, R4594Q.
Identifiers: ClinVar variation 4990643 (VCV004990643.1).